The following is an entry in ClinVar:

NM_144670.6(A2ML1):c.4061+1G>C

Gene: A2ML1 (alpha-2-macroglobulin like 1; plus strand). Cytogenetic location: 12p13.31.
Variant type: single nucleotide variant.
Coding change: c.4061+1G>C on transcript NM_144670.6 (MANE Select); the canonical splice donor site of the intron after coding-DNA position 4061, G replaced by C.
Molecular consequence: splice donor variant.
Genome position (GRCh38, 1-based): chr12:8,868,358, G>C. VCF-style: chr12-8868358-G-C. GRCh37 (hg19) VCF-style: chr12-9020954-G-C.
Other names: c.2588+1G>C (NM_001282424.3).
Identifiers: ClinVar variation 617554 (VCV000617554.10), dbSNP rs202067416, ClinGen allele CA383812824.

ClinVar aggregate classification (germline): Conflicting classifications of pathogenicity. Review status: criteria provided, conflicting classifications (1 of 4 stars). 4 submissions from 4 submitters: Pathogenic (1); Uncertain significance (2). 1 of the submissions does not count toward it. Last evaluated 2023-04-09.

Conditions:
Otitis media, susceptibility to (OMS). Also called: COME/ROM; OTITIS MEDIA, CHRONIC/RECURRENT. Identifiers: MedGen C1833692, MONDO:0008162, OMIM 166760.
Otitis media. Identifiers: MedGen C0029882, MONDO:0005441, HP:0000388.

gnomAD v4.1: 6 of 1,611,252 alleles (0.00037%); no homozygotes.

Submissions (4):

Labcorp Genetics (formerly Invitae), Labcorp
Classification: Uncertain significance. Last evaluated: 2023-04-09. Review status: criteria provided, single submitter. Criteria: Invitae Variant Classification Sherloc (09022015). Collection method: clinical testing. Allele origin: germline.
Comment: In summary, the available evidence is currently insufficient to determine the role of this variant in disease. Therefore, it has been classified as a Variant of Uncertain Significance. Algorithms developed to predict the effect of sequence changes on RNA splicing suggest that this variant may disrupt the consensus splice site. ClinVar contains an entry for this variant (Variation ID: 617554). Disruption of this splice site has been observed in individual(s) with Noonan syndrome (PMID: 25862627). This variant is not present in population databases (gnomAD no frequency). This sequence change affects a donor splice site in intron 31 of the A2ML1 gene. It is expected to disrupt RNA splicing. Variants that disrupt the donor or acceptor splice site typically lead to a loss of protein function (PMID: 16199547), however the current clinical and genetic evidence is not sufficient to establish whether loss-of-function variants in A2ML1 cause disease.

Women's Health and Genetics/Laboratory Corporation of America, LabCorp
Classification: Uncertain significance. Last evaluated: 2020-11-23. Review status: criteria provided, single submitter. Criteria: LabCorp Variant Classification Summary - May 2015. Collection method: clinical testing. Allele origin: germline.
Comment: Variant summary: A2ML1 c.4061+1G>C is located in a canonical splice-site and is predicted to affect mRNA splicing resulting in a significantly altered protein due to either exon skipping, shortening, or inclusion of intronic material. Several computational tools predict a significant impact on normal splicing: Four predict the variant abolishes a 5 splicing donor site. However, these predictions have yet to be confirmed by functional studies. The variant was absent in 245778 control chromosomes (gnomAD). The available data on variant occurrences in the general population are insufficient to allow any conclusion about variant significance. c.4061+1G>C has been reported in the literature in individuals affected with otitis media (Larson_2019). These data do not allow any conclusion about variant significance. To our knowledge, no experimental evidence demonstrating an impact on protein function has been reported. One clinical diagnostic laboratory has submitted clinical-significance assessments for this variant to ClinVar after 2014 without evidence for independent evaluation. One ClinVar submitter (evaluation after 2014) cites the variant as pathogenic. Based on the evidence outlined above, the variant was classified as uncertain significance.

Santos-Cortez Lab, University of Colorado School of Medicine
Classification: Pathogenic for Otitis media, susceptibility to. Last evaluated: 2019-04-25. Review status: criteria provided, single submitter. Criteria: Larson et al. (Hum Mutat. 2019). Collection method: research. Allele origin: germline. Inheritance: Autosomal dominant inheritance. Affected: yes.

University of Washington Center for Mendelian Genomics, University of Washington
Classification: Likely pathogenic for Otitis media. Review status: no assertion criteria provided. Collection method: research. Allele origin: inherited. Affected: yes. Not counted in ClinVar's aggregate classification.

Literature cited by the submitters: PubMed 25862627 (cited by Labcorp Genetics (formerly Invitae), Labcorp); PubMed 16199547 (cited by Labcorp Genetics (formerly Invitae), Labcorp); PubMed 31009165 (cited by Women's Health and Genetics/Laboratory Corporation of America, LabCorp and University of Washington Center for Mendelian Genomics, University of Washington).